The following is an entry in ClinVar:

NM_000094.4(COL7A1):c.5424+1G>A

Genes: COL7A1 (collagen type VII alpha 1 chain; minus strand), MIR711 (microRNA 711; minus strand). Cytogenetic location: 3p21.31.
Variant type: single nucleotide variant.
Coding change: c.5424+1G>A on transcript NM_000094.4 (MANE Select); the canonical splice donor site of the intron after coding-DNA position 5424, G replaced by A.
Molecular consequence: splice donor variant. On other transcripts: non-coding transcript variant (1).
Genome position (GRCh38, 1-based): chr3:48,578,918, C>T on the plus strand (G>A on the coding strand, the complement: COL7A1 is on the minus strand). VCF-style: chr3-48578918-C-T. GRCh37 (hg19) VCF-style: chr3-48616351-C-T.
Identifiers: ClinVar variation 3674159 (VCV003674159.3).

ClinVar aggregate classification (germline): Conflicting classifications of pathogenicity. Review status: criteria provided, conflicting classifications (1 of 4 stars). 2 submissions from 2 submitters: Likely pathogenic (1); Uncertain significance (1). Last evaluated 2025-10-31.

Conditions:
Recessive dystrophic epidermolysis bullosa (RDEB). Also called: Hallopeau-Siemens Disease; epidermolysis bullosa dystrophica, autosomal recessive; Epidermolysis Bullosa Distrophica Autosomal Recessive (RDEB); Recessive DEB (RDEB); DYSTROPHIC EPIDERMOLYSIS BULLOSA, AUTOSOMAL RECESSIVE; EPIDERMOLYSIS BULLOSA DYSTROPHICA, GENERALIZED SEVERE, AUTOSOMAL RECESSIVE. Identifiers: Orphanet 79408, Orphanet 79409, MedGen C0079474, MONDO:0009179, OMIM 226600.

gnomAD v4.1: 3 of 1,613,758 alleles (0.00019%); highest among the groups gnomAD compares: Non-Finnish European, 0.00025%; no homozygotes.

Submissions (2):

Myriad Genetics, Inc.
Classification: Uncertain significance for Recessive dystrophic epidermolysis bullosa. Last evaluated: 2025-10-31. Review status: criteria provided, single submitter. Criteria: Myriad Autosomal Dominant, Autosomal Recessive and X-Linked Classification Criteria (2023). Collection method: clinical testing. Allele origin: unknown.
Comment: NM_000094.3(COL7A1):c.5424+1G>A is a variant in a canonical splice site classified as a variant of uncertain significance in the context of dystrophic epidermolysis bullosa. c.5424+1G>A has not been observed in cases with relevant disease. Relevant functional assessments of this variant are not available in the literature. c.5424+1G>A has not been observed in referenced population frequency databases. In summary, there is insufficient evidence to classify NM_000094.3(COL7A1):c.5424+1G>A as pathogenic or benign. Please note: this variant was assessed in the context of healthy population screening.

Labcorp Genetics (formerly Invitae), Labcorp
Classification: Likely pathogenic. Last evaluated: 2024-06-20. Review status: criteria provided, single submitter. Criteria: Invitae Variant Classification Sherloc (09022015). Collection method: clinical testing. Allele origin: germline.
Comment: This sequence change affects a donor splice site in intron 62 of the COL7A1 gene. It is expected to disrupt splicing. Variants that disrupt the donor or acceptor splice site typically lead to a loss of protein function (PMID: 16199547), and loss-of-function variants in COL7A1 are known to be disease-causing for autosomal recessive dystrophic epidermolysis bullosa (PMID: 16971478). However, certain variants affecting donor or acceptor splice sites in the triple helical domain of COL7A1 are expected to result in in-frame exon skipping and have been reported to cause autosomal dominant dystrophic epidermolysis bullosa (PMID: 31670143). This variant is not present in population databases (gnomAD no frequency). This variant has not been reported in the literature in individuals affected with COL7A1-related conditions. Algorithms developed to predict the effect of sequence changes on RNA splicing suggest that this variant may disrupt the consensus splice site. In summary, the currently available evidence indicates that the variant is pathogenic, but additional data are needed to prove that conclusively. Therefore, this variant has been classified as Likely Pathogenic.

Literature cited by the submitters: PubMed 16199547 (cited by Labcorp Genetics (formerly Invitae), Labcorp); PubMed 16971478 (cited by Labcorp Genetics (formerly Invitae), Labcorp); PubMed 31670143 (cited by Labcorp Genetics (formerly Invitae), Labcorp).